The following is an entry in ClinVar:

ClinVar aggregate classification (germline): Pathogenic. Review status: criteria provided, multiple submitters, no conflicts (2 of 4 stars). 4 submissions from 4 submitters: Pathogenic (2). 2 of the submissions do not count toward it. Last evaluated 2023-11-13.

Conditions:
Inborn genetic diseases. Identifiers: MedGen C0950123, MeSH D030342.

Allele frequency attached by ClinVar (database versions not stated): gnomAD 0.00002 and 0.00003; TOPMed 0.00003; ExAC 0.00007.
gnomAD v4.1: 131 of 1,614,032 alleles (0.0081%); highest among the groups gnomAD compares: Non-Finnish European, 0.011%; no homozygotes.

Submissions (4):

GeneDx
Classification: Pathogenic. Last evaluated: 2023-11-13. Review status: criteria provided, single submitter. Criteria: GeneDx Variant Classification Process June 2021. Collection method: clinical testing. Allele origin: germline. Affected: yes.
Comment: Identified with a second variant in additional patients with acral peeling skin syndrome referred for genetic testing at GeneDx and in published literature (PMID: 24628291); Published functional studies demonstrate a complete loss of cross-linking activity of the enzyme in transfected epithelial cell lines (PMID: 25644735); Not observed at significant frequency in large population cohorts (gnomAD); In silico analysis supports that this missense variant has a deleterious effect on protein structure/function; This variant is associated with the following publications: (PMID: 31589614, 24628291, 25644735)

Ambry Genetics
Classification: Pathogenic for Inborn genetic diseases. Last evaluated: 2016-10-03. Review status: criteria provided, single submitter. Criteria: Ambry exome assertion method (8-5-2015). Collection method: clinical testing. Allele origin: germline. Affected: yes. Observed: 1 variant allele.

Diagnostic Laboratory, Department of Genetics, University Medical Center Groningen
Classification: Pathogenic. Review status: no assertion criteria provided. Collection method: clinical testing. Allele origin: germline. Affected: yes. Study: VKGL Data-share Consensus. Not counted in ClinVar's aggregate classification.

Joint Genome Diagnostic Labs from Nijmegen and Maastricht, Radboudumc and MUMC+
Classification: Pathogenic. Review status: no assertion criteria provided. Collection method: clinical testing. Allele origin: germline. Affected: yes. Study: VKGL Data-share Consensus. Not counted in ClinVar's aggregate classification.

Literature cited by the submitters: PubMed 24628291 (cited by Ambry Genetics); PubMed 25644735 (cited by Ambry Genetics).

NM_201631.4(TGM5):c.104G>A (p.Arg35Gln)

Gene: TGM5 (transglutaminase 5; minus strand). Cytogenetic location: 15q15.2.
Variant type: single nucleotide variant.
Coding change: c.104G>A on transcript NM_201631.4 (MANE Select); coding-DNA position 104, G replaced by A.
Protein change: p.Arg35Gln; replaces arginine 35 with glutamine.
Molecular consequence: missense variant.
Genome position (GRCh38, 1-based): chr15:43,260,486, C>T on the plus strand (G>A on the coding strand, the complement: TGM5 is on the minus strand). VCF-style: chr15-43260486-C-T. GRCh37 (hg19) VCF-style: chr15-43552684-C-T.
Other names: c.104G>A, p.Arg35Gln (NM_004245.4); short protein forms R35Q.
Identifiers: ClinVar variation 449109 (VCV000449109.8), dbSNP rs749224503, ClinGen allele CA7521439.
Genomic context (GRCh38, chr15:43,260,486, plus strand): 5'-TCCAGGCCTGGCTGGAAGCTCCGGTTCCTGAAGTACAGGGTGAGGTTGAAGGCCTGGCCC[C>T]GGCGAACAAGCAGGTGGTCCACAGTGATCTCCTCCGTGTGGTGCCGCACATTATTTCTGG-3'
Protein context (NP_963925.2, residues 25-45): EITVDHLLVR[Arg35Gln]GQAFNLTLYF